The following is an entry in ClinVar:

NM_001252024.2(TRPM1):c.4756C>A (p.Gln1586Lys)

Gene: TRPM1 (transient receptor potential cation channel subfamily M member 1; minus strand). Cytogenetic location: 15q13.3.
Variant type: single nucleotide variant.
Coding change: c.4756C>A on transcript NM_001252024.2 (MANE Select); coding-DNA position 4756, C replaced by A.
Protein change: p.Gln1586Lys; replaces glutamine 1586 with lysine.
Molecular consequence: missense variant.
Genome position (GRCh38, 1-based): chr15:31,001,944, G>T on the plus strand (C>A on the coding strand, the complement: TRPM1 is on the minus strand). VCF-style: chr15-31001944-G-T. GRCh37 (hg19) VCF-style: chr15-31294147-G-T.
Other names: c.4807C>A, p.Gln1603Lys (NM_001252020.2); c.4690C>A, p.Gln1564Lys (NM_002420.6); short protein forms Q1564K, Q1586K, Q1603K.
Identifiers: ClinVar variation 1716200 (VCV001716200.5), dbSNP rs1044526881, ClinGen allele CA267496099.

ClinVar aggregate classification (germline): Uncertain significance (1 of 4 stars; one submission).

gnomAD v4.1: 5 of 1,614,086 alleles (0.00031%); highest among the groups gnomAD compares: Non-Finnish European, 0.00034%; no homozygotes.

Submission:

Labcorp Genetics (formerly Invitae), Labcorp
Classification: Uncertain significance. Last evaluated: 2022-08-12. Review status: criteria provided, single submitter. Criteria: Invitae Variant Classification Sherloc (09022015). Collection method: clinical testing. Allele origin: germline.
Comment: In summary, the available evidence is currently insufficient to determine the role of this variant in disease. Therefore, it has been classified as a Variant of Uncertain Significance. Algorithms developed to predict the effect of missense changes on protein structure and function (SIFT, PolyPhen-2, Align-GVGD) all suggest that this variant is likely to be tolerated. This sequence change replaces glutamine, which is neutral and polar, with lysine, which is basic and polar, at codon 1564 of the TRPM1 protein (p.Gln1564Lys). This variant is not present in population databases (gnomAD no frequency). This variant has not been reported in the literature in individuals affected with TRPM1-related conditions.